The following is an entry in ClinVar:

NM_014251.3(SLC25A13):c.850C>T (p.Arg284Cys)

Gene: SLC25A13 (solute carrier family 25 member 13; minus strand). Cytogenetic location: 7q21.3.
Variant type: single nucleotide variant.
Coding change: c.850C>T on transcript NM_014251.3 (MANE Select); coding-DNA position 850, C replaced by T.
Protein change: p.Arg284Cys; replaces arginine 284 with cysteine.
Molecular consequence: missense variant. On other transcripts: non-coding transcript variant (1).
Genome position (GRCh38, 1-based): chr7:96,189,377, G>A on the plus strand (C>T on the coding strand, the complement: SLC25A13 is on the minus strand). VCF-style: chr7-96189377-G-A. GRCh37 (hg19) VCF-style: chr7-95818689-G-A.
Other names: c.850C>T (NM_014251.2); c.850C>T, p.Arg284Cys (NM_001160210.2); short protein forms R284C.
Identifiers: ClinVar variation 2180246 (VCV002180246.5), dbSNP rs774717064, ClinGen allele CA4353117.

ClinVar aggregate classification (germline): Uncertain significance. Review status: criteria provided, multiple submitters, no conflicts (2 of 4 stars). 3 submissions from 3 submitters: Uncertain significance (3). Last evaluated 2025-03-18.

Conditions:
Citrin deficiency. Identifiers: Orphanet 247582, MedGen C1997910, MONDO:0016602.
SLC25A13-related disorder. Also called: SLC25A13-related condition.
Inborn genetic diseases. Identifiers: MedGen C0950123, MeSH D030342.

Allele frequency attached by ClinVar (database versions not stated): TOPMed 0.00001; ExAC 0.00003.
gnomAD v4.1: 25 of 1,613,818 alleles (0.0015%); highest among the groups gnomAD compares: South Asian, 0.0033%; 1 homozygote.

Submissions (3):

PreventionGenetics, part of Exact Sciences
Classification: Uncertain significance for SLC25A13-related condition. Last evaluated: 2025-03-18. Review status: criteria provided, single submitter. Criteria: ACMG Guidelines, 2015. Collection method: clinical testing. Allele origin: germline.
Comment: The SLC25A13 c.850C>T variant is predicted to result in the amino acid substitution p.Arg284Cys. To our knowledge, this variant has not been reported in the literature. This variant is reported in 0.0065% of alleles in individuals of South Asian descent in gnomAD. At this time, the clinical significance of this variant is uncertain due to the absence of conclusive functional and genetic evidence.

Ambry Genetics
Classification: Uncertain significance for Inborn genetic diseases. Last evaluated: 2023-01-26. Review status: criteria provided, single submitter. Criteria: Ambry Variant Classification Scheme 2023. Collection method: clinical testing. Allele origin: germline.

Labcorp Genetics (formerly Invitae), Labcorp
Classification: Uncertain significance for Citrin deficiency. Last evaluated: 2022-04-09. Review status: criteria provided, single submitter. Criteria: Invitae Variant Classification Sherloc (09022015). Collection method: clinical testing. Allele origin: germline.
Comment: This sequence change replaces arginine, which is basic and polar, with cysteine, which is neutral and slightly polar, at codon 284 of the SLC25A13 protein (p.Arg284Cys). This variant is present in population databases (rs774717064, gnomAD 0.006%), including at least one homozygous and/or hemizygous individual. This variant has not been reported in the literature in individuals affected with SLC25A13-related conditions. Algorithms developed to predict the effect of missense changes on protein structure and function are either unavailable or do not agree on the potential impact of this missense change (SIFT: "Deleterious"; PolyPhen-2: "Benign"; Align-GVGD: "Class C0"). In summary, the available evidence is currently insufficient to determine the role of this variant in disease. Therefore, it has been classified as a Variant of Uncertain Significance.